The following is an entry in ClinVar:

NM_001042492.3(NF1):c.201del (p.Asn67fs)

Gene: NF1 (neurofibromin 1; plus strand). Cytogenetic location: 17q11.2.
Variant type: Deletion.
Coding change: c.201del on transcript NM_001042492.3 (MANE Select); coding-DNA position 201, one base deleted (T; older notation c.201delT).
Protein change: p.Asn67fs; shifts the reading frame from asparagine 67.
Molecular consequence: frameshift variant.
Genome position (GRCh38, 1-based): chr17:31,156,123, T deleted. VCF-style (leftmost placement, unchanged base first): chr17-31156122-AT-A. GRCh37 (hg19) VCF-style: chr17-29483140-AT-A.
Other names: c.201del, p.Asn67fs (NM_000267.4, NM_001128147.3); short protein forms N67fs.
Identifiers: ClinVar variation 4724662 (VCV004724662.1).

ClinVar aggregate classification (germline): Pathogenic (1 of 4 stars; one submission).

Conditions:
Neurofibromatosis, type 1 (NF1). Also called: NEUROFIBROMATOSIS, TYPE I, SOMATIC; VON RECKLINGHAUSEN DISEASE; Peripheral type neurofibromatosis; Neurofibromatosis, type I. Identifiers: Orphanet 636, MedGen C0027831, MONDO:0018975, OMIM 162200. Disease mechanism: loss of function.

Submission:

Labcorp Genetics (formerly Invitae), Labcorp
Classification: Pathogenic for Neurofibromatosis, type 1. Last evaluated: 2025-08-26. Review status: criteria provided, single submitter. Criteria: Invitae Variant Classification Sherloc (09022015). Collection method: clinical testing. Allele origin: germline.
Comment: This sequence change creates a premature translational stop signal (p.Asn67Lysfs*2) in the NF1 gene. It is expected to result in an absent or disrupted protein product. Loss-of-function variants in NF1 are known to be pathogenic (PMID: 10712197, 23913538). This variant is not present in population databases (gnomAD no frequency). This variant has not been reported in the literature in individuals affected with NF1-related conditions. For these reasons, this variant has been classified as Pathogenic.

Literature cited by the submitters: PubMed 10712197; PubMed 23913538.